The following is an entry in ClinVar:

NM_001348716.2(KDM6B):c.1817T>A (p.Leu606Gln)

Gene: KDM6B (lysine demethylase 6B; plus strand). Cytogenetic location: 17p13.1.
Variant type: single nucleotide variant.
Coding change: c.1817T>A on transcript NM_001348716.2 (MANE Select); coding-DNA position 1817, T replaced by A.
Protein change: p.Leu606Gln; replaces leucine 606 with glutamine.
Molecular consequence: missense variant.
Genome position (GRCh38, 1-based): chr17:7,848,105, T>A. VCF-style: chr17-7848105-T-A. GRCh37 (hg19) VCF-style: chr17-7751423-T-A.
Other names: c.1817T>A, p.Leu606Gln (NM_001080424.2); short protein forms L606Q.
Identifiers: ClinVar variation 2629898 (VCV002629898.1), dbSNP rs2544525851, ClinGen allele CA397917472.

ClinVar aggregate classification (germline): Uncertain significance (1 of 4 stars; one submission).

Conditions:
KDM6B-related disorder. Also called: KDM6B-related condition.

Submission:

PreventionGenetics, part of Exact Sciences
Classification: Uncertain significance for KDM6B-related condition. Last evaluated: 2023-01-13. Review status: criteria provided, single submitter. Criteria: ACMG Guidelines, 2015. Collection method: clinical testing. Allele origin: germline.
Comment: The KDM6B c.1817T>A variant is predicted to result in the amino acid substitution p.Leu606Gln. To our knowledge, this variant has not been reported in the literature or in a large population database, indicating this variant is rare. At this time, the clinical significance of this variant is uncertain due to the absence of conclusive functional and genetic evidence.